The following is an entry in ClinVar:

ClinVar aggregate classification (germline): Uncertain significance. Review status: criteria provided, multiple submitters, no conflicts (2 of 4 stars). 5 submissions from 5 submitters: Uncertain significance (5). Last evaluated 2026-10-01.

Conditions:
Intrauterine growth retardation, metaphyseal dysplasia, adrenal hypoplasia congenita, genital anomalies, and immunodeficiency. Also called: IMAGEI SYNDROME. Identifiers: MedGen C5193036, MONDO:0032684, OMIM 618336.
Facial dysmorphism-immunodeficiency-livedo-short stature syndrome. Also called: Facial dysmorphism, immunodeficiency, livedo, and short stature; FILS syndrome. Identifiers: Orphanet 352712, MedGen C3554576, MONDO:0014058, OMIM 615139.
Colorectal cancer, susceptibility to, 12 (CRCS12). Also called: COLORECTAL CANCER, SUSCEPTIBILITY TO, ON CHROMOSOME 12q24. Identifiers: Orphanet 220460, MedGen C3554460, MONDO:0014038, OMIM 615083.
Hereditary cancer-predisposing syndrome. Also called: Hereditary neoplastic syndrome; Tumor predisposition; Neoplastic Syndromes, Hereditary; Hereditary Cancer Syndrome. Identifiers: Orphanet 140162, MedGen C0027672, MeSH D009386, MONDO:0015356.

Allele frequency attached by ClinVar (database versions not stated): gnomAD exomes below 0.00001 and 0.00001; gnomAD 0.00001; ExAC 0.00002.
gnomAD v4.1: 6 of 1,613,656 alleles (0.00037%); highest among the groups gnomAD compares: African/African-American, 0.0013%; no homozygotes.

Submissions (5):

St. Jude Molecular Pathology, St. Jude Children's Research Hospital
Classification: Uncertain significance for Colorectal cancer, susceptibility to, 12. Last evaluated: 2026-10-01. Review status: criteria provided, single submitter. Criteria: St. Jude Assertion Criteria 2020. Collection method: clinical testing. Allele origin: germline.
Comment: The POLE c.1322C>T p.(Pro441Leu) missense change has a maximum subpopulation frequency of 0.003% in gnomAD v2.1.1. The in silico tool REVEL is inconclusive about a pathogenic or benign effect of this variant on protein function, and to our knowledge functional studies have not been performed. To our knowledge, this variant has not been reported in the literature in individuals with POLE-related disease. In summary, the evidence currently available is insufficient to determine the clinical significance of this variant. It has therefore been classified as of uncertain significance.

Ambry Genetics
Classification: Uncertain significance for Hereditary cancer-predisposing syndrome. Last evaluated: 2026-01-08. Review status: criteria provided, single submitter. Criteria: Ambry Variant Classification Scheme 2023. Collection method: clinical testing. Allele origin: germline.
Comment: The p.P441L variant (also known as c.1322C>T), located in coding exon 13 of the POLE gene, results from a C to T substitution at nucleotide position 1322. The proline at codon 441 is replaced by leucine, an amino acid with similar properties. This variant was reported in individual(s) with features consistent with POLE-related CMMRD-like syndrome (Ambry internal data).This amino acid position is highly conserved in available vertebrate species. In addition, the in silico prediction for this alteration is inconclusive. Based on the available evidence, the clinical significance of this variant remains unclear.

Labcorp Genetics (formerly Invitae), Labcorp
Classification: Uncertain significance. Last evaluated: 2025-12-22. Review status: criteria provided, single submitter. Criteria: Invitae Variant Classification Sherloc (09022015). Collection method: clinical testing. Allele origin: germline.
Comment: This sequence change replaces proline, which is neutral and non-polar, with leucine, which is neutral and non-polar, at codon 441 of the POLE protein (p.Pro441Leu). This variant is present in population databases (rs775340163, gnomAD 0.003%). This variant has not been reported in the literature in individuals affected with POLE-related conditions. ClinVar contains an entry for this variant (Variation ID: 484468). Invitae Evidence Modeling of protein sequence and biophysical properties (such as structural, functional, and spatial information, amino acid conservation, physicochemical variation, residue mobility, and thermodynamic stability) indicates that this missense variant is expected to disrupt POLE protein function with a positive predictive value of 80%. In summary, the available evidence is currently insufficient to determine the role of this variant in disease. Therefore, it has been classified as a Variant of Uncertain Significance.

Department of Pathology and Laboratory Medicine, Sinai Health System
Classification: Uncertain significance for Colorectal cancer, susceptibility to, 12; Facial dysmorphism-immunodeficiency-livedo-short stature syndrome; Intrauterine growth retardation, metaphyseal dysplasia, adrenal hypoplasia congenita, genital anomalies, and immunodeficiency. Last evaluated: 2022-11-03. Review status: criteria provided, single submitter. Criteria: ACMG Guidelines, 2015. Collection method: clinical testing. Allele origin: germline. Affected: yes.

GeneDx
Classification: Uncertain significance. Last evaluated: 2019-09-30. Review status: criteria provided, single submitter. Criteria: GeneDx Variant Classification Process June 2021. Collection method: clinical testing. Allele origin: germline. Affected: yes.
Comment: Not observed at a significant frequency in large population cohorts (Lek 2016); In silico analysis, which includes protein predictors and evolutionary conservation, supports a deleterious effect; Has not been previously published as pathogenic or benign to our knowledge; This variant is associated with the following publications: (PMID: 25124163, 29572003, 29320758, 26763250)

Literature cited by the submitters: PubMed 25124163 (cited by Ambry Genetics and Department of Pathology and Laboratory Medicine, Sinai Health System); PubMed 26763250 (cited by Ambry Genetics); PubMed 30917185 (cited by Ambry Genetics); PubMed 32973888 (cited by Ambry Genetics).

NM_006231.4(POLE):c.1322C>T (p.Pro441Leu)

Gene: POLE (DNA polymerase epsilon, catalytic subunit; minus strand). Cytogenetic location: 12q24.33.
Variant type: single nucleotide variant.
Coding change: c.1322C>T on transcript NM_006231.4 (MANE Select); coding-DNA position 1322, C replaced by T.
Protein change: p.Pro441Leu; replaces proline 441 with leucine.
Molecular consequence: missense variant.
Genome position (GRCh38, 1-based): chr12:132,673,612, G>A on the plus strand (C>T on the coding strand, the complement: POLE is on the minus strand). VCF-style: chr12-132673612-G-A. GRCh37 (hg19) VCF-style: chr12-133250198-G-A.
Other names: short protein forms P441L.
Identifiers: ClinVar variation 484468 (VCV000484468.18), dbSNP rs775340163, ClinGen allele CA6894007.